The following is an entry in ClinVar:

ClinVar aggregate classification (germline): Pathogenic/Likely pathogenic. Review status: criteria provided, multiple submitters, no conflicts (2 of 4 stars). 4 submissions from 4 submitters: Pathogenic (2); Likely pathogenic (2). Last evaluated 2025-07-28.

Conditions:
Cone dystrophy with supernormal rod response (CDSRR). Also called: CONE DYSTROPHY WITH SUPERNORMAL ROD RESPONSES. Identifiers: Orphanet 209932, MedGen C1835897, MONDO:0012475, OMIM 610356.
KCNV2-related disorder. Also called: KCNV2-related condition.

Allele frequency attached by ClinVar (database versions not stated): gnomAD exomes below 0.00001; gnomAD 0.00002; TOPMed 0.00004.
gnomAD v4.1: 6 of 1,612,246 alleles (0.00037%); highest among the groups gnomAD compares: African/African-American, 0.0053%; no homozygotes.

Submissions (4):

Labcorp Genetics (formerly Invitae), Labcorp
Classification: Pathogenic. Last evaluated: 2025-07-28. Review status: criteria provided, single submitter. Criteria: Invitae Variant Classification Sherloc (09022015). Collection method: clinical testing. Allele origin: germline.
Comment: This sequence change creates a premature translational stop signal (p.Cys177*) in the KCNV2 gene. It is expected to result in an absent or disrupted protein product. Loss-of-function variants in KCNV2 are known to be pathogenic (PMID: 16909397, 18235024). This variant is not present in population databases (gnomAD no frequency). This premature translational stop signal has been observed in individual(s) with cone dystrophy with supernormal rod response (PMID: 24029832). ClinVar contains an entry for this variant (Variation ID: 835076). For these reasons, this variant has been classified as Pathogenic.

GeneDx
Classification: Likely pathogenic. Last evaluated: 2025-05-13. Review status: criteria provided, single submitter. Criteria: GeneDx Variant Classification Process June 2021. Collection method: clinical testing. Allele origin: germline. Affected: yes.
Comment: Observed with a second KCNV2 variant in a patient with features of cone dystrophy with supernormal rod response (PMID: 24029832); Nonsense variant predicted to result in protein truncation or nonsense mediated decay in a gene for which loss of function is a known mechanism of disease; Not observed at significant frequency in large population cohorts (gnomAD); This variant is associated with the following publications: (PMID: 24029832)

Variantyx, Inc.
Classification: Likely pathogenic for Cone dystrophy with supernormal rod response. Last evaluated: 2025-04-05. Review status: criteria provided, single submitter. Criteria: Variantyx Assertion Criteria 2022. Collection method: clinical testing. Allele origin: germline. Inheritance: Autosomal recessive inheritance. Affected: no.
Comment: This is a nonsense variant in the KCNV2 gene (OMIM: 607604). Pathogenic variants in this gene have been associated with autosomal recessive retinal cone dystrophy 3B. This variant introduces a premature termination codon in exon 1 out of 2 and is expected to result in loss of function, which is a known disease mechanism for KCNV2 in this disorder (PMID: 16909397, 18235024) (PVS1). This variant has a 0.0068% maximum allele frequency in non-founder control populations (PM2) and has been reported in the homozygous or compound heterozygous state in 1 affected individual (PMID: 24029832). Based on the current evidence, this variant is classified as likely pathogenic for autosomal recessive retinal cone dystrophy 3B.

Blueprint Genetics
Classification: Pathogenic for KCNV2-related disorders. Last evaluated: 2024-01-09. Review status: criteria provided, single submitter. Criteria: ACMG Guidelines, 2015. Collection method: clinical testing. Allele origin: germline. Affected: yes. Observed: 1 variant allele.

Literature cited by the submitters: PubMed 16909397 (cited by Labcorp Genetics (formerly Invitae), Labcorp and Variantyx, Inc.); PubMed 18235024 (cited by Labcorp Genetics (formerly Invitae), Labcorp and Variantyx, Inc.); PubMed 24029832 (cited by Labcorp Genetics (formerly Invitae), Labcorp).

NM_133497.4(KCNV2):c.531T>A (p.Cys177Ter)

Gene: KCNV2 (potassium voltage-gated channel modifier subfamily V member 2; plus strand). Cytogenetic location: 9p24.2.
Variant type: single nucleotide variant.
Coding change: c.531T>A on transcript NM_133497.4 (MANE Select); coding-DNA position 531, T replaced by A.
Protein change: p.Cys177Ter; replaces cysteine 177 with a stop codon.
Molecular consequence: nonsense.
Genome position (GRCh38, 1-based): chr9:2,718,270, T>A. VCF-style: chr9-2718270-T-A. GRCh37 (hg19) VCF-style: chr9-2718270-T-A.
Other names: short protein forms C177*.
Identifiers: ClinVar variation 835076 (VCV000835076.11), dbSNP rs1282433030, ClinGen allele CA372798330.